The following is an entry in ClinVar:

NM_002075.4(GNB3):c.1015T>C (p.Trp339Arg)

Genes: CDCA3 (cell division cycle associated 3; minus strand), GNB3 (G protein subunit beta 3; plus strand). Cytogenetic location: 12p13.31.
Variant type: single nucleotide variant.
Coding change: c.1015T>C on transcript NM_002075.4 (MANE Select); coding-DNA position 1015, T replaced by C.
Protein change: p.Trp339Arg; replaces tryptophan 339 with arginine.
Molecular consequence: missense variant. On other transcripts: synonymous variant (1).
Genome position (GRCh38, 1-based): chr12:6,846,890, T>C. VCF-style: chr12-6846890-T-C. GRCh37 (hg19) VCF-style: chr12-6956054-T-C.
Other names: c.1012T>C, p.Trp338Arg (NM_001297571.2); c.558A>G, p.Pro186= (NM_001297603.3); short protein forms W338R, W339R.
Identifiers: ClinVar variation 2980949 (VCV002980949.3), dbSNP rs1555124870, ClinGen allele CA383676620.
Genomic context (GRCh38, chr12:6,846,890, plus strand): 5'-GGAGTCACAGCTGACGGGATGGCTGTGGCCACAGGTTCCTGGGACAGCTTCCTCAAAATC[T>C]GGAACTGAGGAGGCTGGAGAAAGGGAAGTGGAAGGCAGTGAACACACTCAGCAGCCCCCT-3'
Protein context (NP_002066.1, residues 329-340): TGSWDSFLKI[Trp339Arg]N

ClinVar aggregate classification (germline): Uncertain significance (1 of 4 stars; one submission).

Allele frequency attached by ClinVar (database versions not stated): TOPMed below 0.00001.
gnomAD v4.1: 4 of 1,575,598 alleles (0.00025%); highest among the groups gnomAD compares: Non-Finnish European, 0.00035%; no homozygotes.

Submission:

Labcorp Genetics (formerly Invitae), Labcorp
Classification: Uncertain significance. Last evaluated: 2023-11-28. Review status: criteria provided, single submitter. Criteria: Invitae Variant Classification Sherloc (09022015). Collection method: clinical testing. Allele origin: germline.
Comment: This sequence change replaces tryptophan, which is neutral and slightly polar, with arginine, which is basic and polar, at codon 339 of the GNB3 protein (p.Trp339Arg). This variant is not present in population databases (gnomAD no frequency). This variant has not been reported in the literature in individuals affected with GNB3-related conditions. Advanced modeling of protein sequence and biophysical properties (such as structural, functional, and spatial information, amino acid conservation, physicochemical variation, residue mobility, and thermodynamic stability) performed at Invitae indicates that this missense variant is expected to disrupt GNB3 protein function with a positive predictive value of 80%. In summary, the available evidence is currently insufficient to determine the role of this variant in disease. Therefore, it has been classified as a Variant of Uncertain Significance.